The following is an entry in ClinVar:

ClinVar aggregate classification (germline): Conflicting classifications of pathogenicity. Review status: criteria provided, conflicting classifications (1 of 4 stars). 2 submissions from 2 submitters: Uncertain significance (1); Likely benign (1). Last evaluated 2025-05-05.

Conditions:
Inborn genetic diseases. Identifiers: MedGen C0950123, MeSH D030342.

gnomAD v4.1: 45 of 1,613,840 alleles (0.0028%); highest among the groups gnomAD compares: South Asian, 0.046%; 1 homozygote.

Submissions (2):

Ambry Genetics
Classification: Likely benign for Inborn genetic diseases. Last evaluated: 2025-05-05. Review status: criteria provided, single submitter. Criteria: Ambry Variant Classification Scheme 2023. Collection method: clinical testing. Allele origin: germline.

Labcorp Genetics (formerly Invitae), Labcorp
Classification: Uncertain significance. Last evaluated: 2024-07-23. Review status: criteria provided, single submitter. Criteria: Invitae Variant Classification Sherloc (09022015). Collection method: clinical testing. Allele origin: germline.
Comment: This sequence change replaces cysteine, which is neutral and slightly polar, with arginine, which is basic and polar, at codon 46 of the MAFB protein (p.Cys46Arg). This variant is present in population databases (rs556212539, gnomAD 0.04%), and has an allele count higher than expected for a pathogenic variant. This variant has not been reported in the literature in individuals affected with MAFB-related conditions. Advanced modeling of protein sequence and biophysical properties (such as structural, functional, and spatial information, amino acid conservation, physicochemical variation, residue mobility, and thermodynamic stability) performed at Invitae indicates that this missense variant is expected to disrupt MAFB protein function with a positive predictive value of 80%. In summary, the available evidence is currently insufficient to determine the role of this variant in disease. Therefore, it has been classified as a Variant of Uncertain Significance.

NM_005461.5(MAFB):c.136T>C (p.Cys46Arg)

Gene: MAFB (MAF bZIP transcription factor B; minus strand). Cytogenetic location: 20q12.
Variant type: single nucleotide variant.
Coding change: c.136T>C on transcript NM_005461.5 (MANE Select); coding-DNA position 136, T replaced by C.
Protein change: p.Cys46Arg; replaces cysteine 46 with arginine.
Molecular consequence: missense variant.
Genome position (GRCh38, 1-based): chr20:40,688,715, A>G on the plus strand (T>C on the coding strand, the complement: MAFB is on the minus strand). VCF-style: chr20-40688715-A-G. GRCh37 (hg19) VCF-style: chr20-39317355-A-G.
Other names: c.136T>C (NM_005461.3); short protein forms C46R.
Identifiers: ClinVar variation 3607121 (VCV003607121.3).